The following is an entry in ClinVar:

NM_018847.4(KLHL9):c.1835C>G (p.Ala612Gly)

Gene: KLHL9 (kelch like family member 9; minus strand). Cytogenetic location: 9p21.3.
Variant type: single nucleotide variant.
Coding change: c.1835C>G on transcript NM_018847.4 (MANE Select); coding-DNA position 1835, C replaced by G.
Protein change: p.Ala612Gly; replaces alanine 612 with glycine.
Molecular consequence: missense variant.
Genome position (GRCh38, 1-based): chr9:21,333,025, G>C on the plus strand (C>G on the coding strand, the complement: KLHL9 is on the minus strand). VCF-style: chr9-21333025-G-C. GRCh37 (hg19) VCF-style: chr9-21333024-G-C.
Other names: c.1835C>G (NM_018847.2); short protein forms A612G.
Identifiers: ClinVar variation 1464412 (VCV001464412.7), dbSNP rs985687144, ClinGen allele CA190666111.

ClinVar aggregate classification (germline): Uncertain significance. Review status: criteria provided, multiple submitters, no conflicts (2 of 4 stars). 2 submissions from 2 submitters: Uncertain significance (2). Last evaluated 2025-04-11.

gnomAD v4.1: 2 of 1,614,014 alleles (0.00012%); highest among the groups gnomAD compares: Non-Finnish European, 0.00017%; no homozygotes.

Submissions (2):

Ambry Genetics
Classification: Uncertain significance. Last evaluated: 2025-04-11. Review status: criteria provided, single submitter. Criteria: Ambry Variant Classification Scheme 2023. Collection method: clinical testing. Allele origin: germline.

Labcorp Genetics (formerly Invitae), Labcorp
Classification: Uncertain significance. Last evaluated: 2024-02-24. Review status: criteria provided, single submitter. Criteria: Invitae Variant Classification Sherloc (09022015). Collection method: clinical testing. Allele origin: germline.
Comment: This sequence change replaces alanine, which is neutral and non-polar, with glycine, which is neutral and non-polar, at codon 612 of the KLHL9 protein (p.Ala612Gly). This variant is not present in population databases (gnomAD no frequency). This variant has not been reported in the literature in individuals affected with KLHL9-related conditions. ClinVar contains an entry for this variant (Variation ID: 1464412). An algorithm developed to predict the effect of missense changes on protein structure and function (PolyPhen-2) suggests that this variant is likely to be tolerated. In summary, the available evidence is currently insufficient to determine the role of this variant in disease. Therefore, it has been classified as a Variant of Uncertain Significance.